The following is an entry in ClinVar:

ClinVar aggregate classification (germline): Uncertain significance (1 of 4 stars; one submission).

Conditions:
Familial sleep-related hypermotor epilepsy. Also called: Autosomal Dominant Sleep-Related Hypermotor (Hyperkinetic) Epilepsy. Identifiers: Orphanet 98784, MedGen C3696898, MONDO:0000030.

Allele frequency attached by ClinVar (database versions not stated): TOPMed 0.00001.

Submission:

Labcorp Genetics (formerly Invitae), Labcorp
Classification: Uncertain significance. Last evaluated: 2020-12-03. Review status: criteria provided, single submitter. Criteria: Invitae Variant Classification Sherloc (09022015). Collection method: clinical testing. Allele origin: germline.
Comment: This sequence change replaces cysteine with glycine at codon 5 of the CHRNB2 protein (p.Cys5Gly). The cysteine residue is weakly conserved and there is a large physicochemical difference between cysteine and glycine. In summary, the available evidence is currently insufficient to determine the role of this variant in disease. Therefore, it has been classified as a Variant of Uncertain Significance. Advanced modeling of protein sequence and biophysical properties (such as structural, functional, and spatial information, amino acid conservation, physicochemical variation, residue mobility, and thermodynamic stability) performed at Invitae indicates that this missense variant is not expected to disrupt CHRNB2 protein function. This variant has not been reported in the literature in individuals with CHRNB2-related conditions. This variant is not present in population databases (ExAC no frequency).

NM_000748.3(CHRNB2):c.13T>G (p.Cys5Gly)

Genes: CHRNB2 (cholinergic receptor nicotinic beta 2 subunit; plus strand), LOC129931511 (ATAC-STARR-seq lymphoblastoid silent region 1363; plus strand). Cytogenetic location: 1q21.3.
Variant type: single nucleotide variant.
Coding change: c.13T>G on transcript NM_000748.3 (MANE Select); coding-DNA position 13, T replaced by G.
Protein change: p.Cys5Gly; replaces cysteine 5 with glycine.
Molecular consequence: missense variant.
Genome position (GRCh38, 1-based): chr1:154,568,057, T>G. VCF-style: chr1-154568057-T-G. GRCh37 (hg19) VCF-style: chr1-154540533-T-G.
Other names: short protein forms C5G.
Identifiers: ClinVar variation 1016776 (VCV001016776.9), dbSNP rs1261047629, ClinGen allele CA342629055.